The following is an entry in ClinVar:

ClinVar aggregate classification (germline): Uncertain significance (1 of 4 stars; one submission).

Allele frequency attached by ClinVar (database versions not stated): ExAC 0.00001; gnomAD exomes 0.00001; gnomAD 0.00002 and 0.00003; TOPMed 0.00003.
gnomAD v4.1: 22 of 1,601,964 alleles (0.0014%); highest among the groups gnomAD compares: Non-Finnish European, 0.0017%; no homozygotes.

Submission:

Labcorp Genetics (formerly Invitae), Labcorp
Classification: Uncertain significance. Last evaluated: 2025-09-21. Review status: criteria provided, single submitter. Criteria: Invitae Variant Classification Sherloc (09022015). Collection method: clinical testing. Allele origin: germline.
Comment: This sequence change replaces glycine, which is neutral and non-polar, with aspartic acid, which is acidic and polar, at codon 226 of the USH1G protein (p.Gly226Asp). This variant is present in population databases (rs776540260, gnomAD 0.002%). This variant has not been reported in the literature in individuals affected with USH1G-related conditions. ClinVar contains an entry for this variant (Variation ID: 856997). Invitae Evidence Modeling of protein sequence and biophysical properties (such as structural, functional, and spatial information, amino acid conservation, physicochemical variation, residue mobility, and thermodynamic stability) indicates that this missense variant is not expected to disrupt USH1G protein function with a negative predictive value of 80%. In summary, the available evidence is currently insufficient to determine the role of this variant in disease. Therefore, it has been classified as a Variant of Uncertain Significance.

NM_173477.5(USH1G):c.677G>A (p.Gly226Asp)

Gene: USH1G (USH1 protein network component sans; minus strand). Cytogenetic location: 17q25.1.
Variant type: single nucleotide variant.
Coding change: c.677G>A on transcript NM_173477.5 (MANE Select); coding-DNA position 677, G replaced by A.
Protein change: p.Gly226Asp; replaces glycine 226 with aspartic acid.
Molecular consequence: missense variant.
Genome position (GRCh38, 1-based): chr17:74,920,159, C>T on the plus strand (G>A on the coding strand, the complement: USH1G is on the minus strand). VCF-style: chr17-74920159-C-T. GRCh37 (hg19) VCF-style: chr17-72916254-C-T.
Other names: c.368G>A, p.Gly123Asp (NM_001282489.3); short protein forms G226D, G123D.
Identifiers: ClinVar variation 856997 (VCV000856997.6), dbSNP rs776540260, ClinGen allele CA8754023.
Genomic context (GRCh38, chr17:74,920,159, plus strand): 5'-CCCGAGAGCGAGCGGGCGCTCTTGCGCCCATCCTCGGAGACCTTGAAGGTGCCTTCGCCG[C>T]CCTGCTTGCGCCGCTCCAGCTTCTTCTGCATCTTGGTCTTGCCCCTGGCCGTGCCGTGCA-3'
Protein context (NP_775748.2, residues 216-236): MQKKLERRKQ[Gly226Asp]GEGTFKVSED